The following is an entry in ClinVar:

NM_007294.4(BRCA1):c.5278-18C>G

Gene: BRCA1 (BRCA1 DNA repair associated; minus strand). Cytogenetic location: 17q21.31.
Variant type: single nucleotide variant.
Coding change: c.5278-18C>G on transcript NM_007294.4 (MANE Select); 18 bases into the intron before coding-DNA position 5278, C replaced by G.
Molecular consequence: intron variant.
Genome position (GRCh38, 1-based): chr17:43,051,135, G>C on the plus strand (C>G on the coding strand, the complement: BRCA1 is on the minus strand). VCF-style: chr17-43051135-G-C. GRCh37 (hg19) VCF-style: chr17-41203152-G-C.
Other names: c.5131-18C>G (NM_001407853.1, NM_001407843.1, NM_001407847.1 and 12 more transcripts); c.1702-18C>G (NM_001408502.1, NM_001408504.1, NM_001408503.1); c.4942-18C>G (NM_001407951.1, NM_001407954.1, NM_001407952.1 and 3 more transcripts); c.4945-18C>G (NM_001407946.1, NM_001407948.1, NM_001407947.1 and 1 more transcripts); c.1756-18C>G (NM_001408489.1, NM_001408482.1, NM_001408484.1 and 5 more transcripts); c.1759-18C>G (NM_001408479.1, NM_001408478.1, NM_001408480.1); c.5065-18C>G (NM_001407910.1, NM_001407904.1, NM_001407896.1 and 12 more transcripts); c.5068-18C>G (NM_001407884.1, NM_001407879.1, NM_001407882.1 and 5 more transcripts); and 74 more.
Identifiers: ClinVar variation 491104 (VCV000491104.15), dbSNP rs1555575750, ClinGen allele CA658684090.

ClinVar aggregate classification (germline): Likely benign. Review status: criteria provided, multiple submitters, no conflicts (2 of 4 stars). 2 submissions from 2 submitters: Likely benign (2). Last evaluated 2025-12-09.

Conditions:
Hereditary breast ovarian cancer syndrome. Also called: Breast and ovarian cancer; Hereditary breast and/or ovarian cancer syndrome; BRCA1- and BRCA2-Associated Hereditary Breast and Ovarian Cancer; Hereditary breast and ovarian cancer syndrome; Hereditary breast and ovarian cancer syndrome (HBOC); Hereditary breast and ovarian cancer. Identifiers: Orphanet 145, MedGen C0677776, MeSH D061325, MONDO:0003582. Disease mechanism: loss of function.
Hereditary cancer-predisposing syndrome. Also called: Tumor predisposition; Hereditary Cancer Syndrome; Hereditary neoplastic syndrome; Neoplastic Syndromes, Hereditary. Identifiers: Orphanet 140162, MedGen C0027672, MeSH D009386, MONDO:0015356.

Allele frequency attached by ClinVar (database versions not stated): TOPMed below 0.00001; gnomAD 0.00001.
gnomAD v4.1: 1 of 1,610,654 alleles (0.000062%); highest among the groups gnomAD compares: Non-Finnish European, 0.000085%; no homozygotes.

Submissions (3):

Labcorp Genetics (formerly Invitae), Labcorp
Classification: Likely benign for Hereditary breast ovarian cancer syndrome. Last evaluated: 2025-12-09. Review status: criteria provided, single submitter. Criteria: Invitae Variant Classification Sherloc (09022015). Collection method: clinical testing. Allele origin: germline.

Color Diagnostics, LLC DBA Color Health
Classification: Likely benign for Hereditary cancer-predisposing syndrome. Last evaluated: 2016-12-22. Review status: criteria provided, single submitter. Criteria: ACMG Guidelines, 2015. Collection method: clinical testing. Allele origin: germline.

Brotman Baty Institute, University of Washington
No classification provided (evidence only). Condition: Breast-ovarian cancer, familial 1. Review status: no classification provided. Collection method: in vitro. Allele origin: not applicable. Functional consequence: functionally_normal. Not counted in ClinVar's aggregate classification.
ClinVar note: "not provided" was previously submitted as the classification for the variant. However, the classification appeared to be based only on an observation of functional data so it was converted to no classification on 2025-07-30.